The following is an entry in ClinVar:

NM_000539.3(RHO):c.361+1G>A

Gene: RHO (rhodopsin; plus strand). Cytogenetic location: 3q22.1.
Variant type: single nucleotide variant.
Coding change: c.361+1G>A on transcript NM_000539.3 (MANE Select); the canonical splice donor site of the intron after coding-DNA position 361, G replaced by A.
Molecular consequence: splice donor variant.
Genome position (GRCh38, 1-based): chr3:129,529,095, G>A. VCF-style: chr3-129529095-G-A. GRCh37 (hg19) VCF-style: chr3-129247938-G-A.
Identifiers: ClinVar variation 2818315 (VCV002818315.3), dbSNP rs2533020372, ClinGen allele CA354497047.
Genomic context (GRCh38, chr3:129,529,095, plus strand): 5'-GATACTTCGTCTTCGGGCCCACAGGATGCAATTTGGAGGGCTTCTTTGCCACCCTGGGCG[G>A]TATGAGCCGGGTGTGGGTGGGGTGTGCAGGAGCCCGGGAGCATGGAGGGGTCTGGGAGAG-3'

ClinVar aggregate classification (germline): Likely pathogenic (1 of 4 stars; one submission).

Allele frequency attached by ClinVar (database versions not stated): gnomAD exomes below 0.00001.
gnomAD v4.1: 2 of 1,611,302 alleles (0.00012%); highest among the groups gnomAD compares: South Asian, 0.0011%; no homozygotes.

Submission:

Labcorp Genetics (formerly Invitae), Labcorp
Classification: Likely pathogenic. Last evaluated: 2022-12-03. Review status: criteria provided, single submitter. Criteria: Invitae Variant Classification Sherloc (09022015). Collection method: clinical testing. Allele origin: germline.
Comment: In summary, the currently available evidence indicates that the variant is pathogenic, but additional data are needed to prove that conclusively. Therefore, this variant has been classified as Likely Pathogenic. Algorithms developed to predict the effect of sequence changes on RNA splicing suggest that this variant may disrupt the consensus splice site. This variant has not been reported in the literature in individuals affected with RHO-related conditions. This variant is not present in population databases (gnomAD no frequency). This sequence change affects a donor splice site in intron 1 of the RHO gene. It is expected to disrupt RNA splicing. Variants that disrupt the donor or acceptor splice site typically lead to a loss of protein function (PMID: 16199547), and loss-of-function variants in RHO are known to be pathogenic (PMID: 1303237, 21174529).

Literature cited by the submitters: PubMed 16199547; PubMed 1303237; PubMed 21174529.